The following is an entry in ClinVar:

NM_000419.5(ITGA2B):c.2944G>A (p.Val982Met)

Gene: ITGA2B (integrin subunit alpha 2b; minus strand). Cytogenetic location: 17q21.31.
Variant type: single nucleotide variant.
Coding change: c.2944G>A on transcript NM_000419.5 (MANE Select); coding-DNA position 2944, G replaced by A.
Protein change: p.Val982Met; replaces valine 982 with methionine.
Molecular consequence: missense variant.
Genome position (GRCh38, 1-based): chr17:44,374,470, C>T on the plus strand (G>A on the coding strand, the complement: ITGA2B is on the minus strand). VCF-style: chr17-44374470-C-T. GRCh37 (hg19) VCF-style: chr17-42451838-C-T.
Other names: c.2944G>A (LRG_479t1, NM_000419.4); short protein forms V982M.
Identifiers: ClinVar variation 381747 (VCV000381747.10), dbSNP rs78657866, ClinGen allele CA16608466.

ClinVar aggregate classification (germline): Pathogenic. Review status: reviewed by expert panel (3 of 4 stars). 5 submissions from 5 submitters: Pathogenic (1). 4 of the submissions do not count toward it. Last evaluated 2020-09-06.

Conditions:
Glanzmann thrombasthenia 1 (GT1). Also called: BLEEDING DISORDER, PLATELET-TYPE, 2; GP IIb-IIIa COMPLEX DEFICIENCY; GLYCOPROTEIN COMPLEX IIb-IIIa DEFICIENCY; PLATELET FIBRINOGEN RECEPTOR DEFICIENCY. Identifiers: MedGen CN300358, MONDO:0031332, OMIM 273800.
ITGA2B-related disorder. Also called: ITGA2B-related condition; ITGA2B-related disorders.
Glanzmann thrombasthenia. Also called: THROMBASTHENIA OF GLANZMANN AND NAEGELI; Thrombasthenia; Glanzmann's thrombasthenia; PLATELET GLYCOPROTEIN IIb-IIIa DEFICIENCY. Identifiers: Orphanet 849, MedGen C0040015, MONDO:0100326.

Allele frequency attached by ClinVar (database versions not stated): gnomAD exomes below 0.00001; TOPMed below 0.00001; gnomAD 0.00001.
gnomAD v4.1: 6 of 1,613,696 alleles (0.00037%); highest among the groups gnomAD compares: Non-Finnish European, 0.00051%; no homozygotes.

Submissions (5):

ClinGen Platelet Disorders Variant Curation Expert Panel, ClinGen
Classification: Pathogenic for Glanzmann thrombasthenia. Last evaluated: 2020-09-06. Review status: reviewed by expert panel. Criteria: ClinGen Platelet ACMG Specifications v2. Collection method: curation. Allele origin: germline. Inheritance: Autosomal recessive inheritance.
Comment: The c.2944G>A (p.Val982Met) missense variant has been reported in at least three compound heterozygous probands with a phenotype highly specific to GT (PMID: 28983057, 25539746,15099289); one of which was a de novo occurrence (PMID: 25539746). It is found at an extremely low frequency (MAF of 0.00006486 in the non-Finnish European population from gnomAD). This variant is predicted by HSF and MaxEntScan to result in a broken splice donor site. Flow cytometry found that this variant had a marked deleterious effect on Î±IIbÎ²3 expression (~25% of control levels) in COS-7 cells (PMID: 15099289). In summary, this variant meets criteria to be classified as Pathogenic for GT. GT-specific criteria applied: PS2, PM3, PM2_supporting, PS3_Moderate, PP3, and PP4_moderate.

PreventionGenetics, part of Exact Sciences
Classification: Likely pathogenic for ITGA2B-related condition. Last evaluated: 2026-03-06. Review status: criteria provided, single submitter. Criteria: ACMG Guidelines, 2015. Collection method: clinical testing. Allele origin: germline. Not counted in ClinVar's aggregate classification.
Comment: The ITGA2B c.2944G>A variant is predicted to result in the amino acid substitution p.Val982Met. This variant, also reported as p.Val951Met using legacy nomenclature, has been reported in the compound heterozygous state with another causative ITGA2B variant in individuals with hematological characteristics consistent with Glanzmann thrombasthenia (Nurden et al. 2004. PubMed ID: 15099289; reported de novo in Sánchez-Guiu et al. 2014. PubMed ID: 25539746; Bastida et al. 2017. PubMed ID: 28983057). This variant is located at the first nucleotide position of exon 29 and, based on available splicing prediction programs, may impact splicing (SpliceAI, Jaganathan et al. 2019. PubMed ID: 30661751). However, the use of computer prediction programs are not equivalent to functional evidence. In vitro analysis demonstrates this variant results in decreased protein expression in COS-7 cells (Nurden et al. 2004. PubMed ID: 15099289). This variant is reported in 0.0065% of alleles in individuals of European (Non-Finnish) descent in gnomAD, and is classified as pathogenic by the ClinGen Platelet Disorders Variant Curation Expert Panel (Variation ID: 381747). Taken together, this variant is interpreted as likely pathogenic for autosomal recessive disease.

Labcorp Genetics (formerly Invitae), Labcorp
Classification: Uncertain significance for Glanzmann thrombasthenia. Last evaluated: 2025-07-02. Review status: criteria provided, single submitter. Criteria: Invitae Variant Classification Sherloc (09022015). Collection method: clinical testing. Allele origin: germline. Not counted in ClinVar's aggregate classification.
Comment: This sequence change replaces valine, which is neutral and non-polar, with methionine, which is neutral and non-polar, at codon 982 of the ITGA2B protein (p.Val982Met). This variant is present in population databases (rs78657866, gnomAD 0.007%). This missense change has been observed in individual(s) with autosomal recessive Glanzmann thrombasthenia (PMID: 15099289, 25539746, 28983057). This variant is also known as V951->M. ClinVar contains an entry for this variant (Variation ID: 381747). Invitae Evidence Modeling of protein sequence and biophysical properties (such as structural, functional, and spatial information, amino acid conservation, physicochemical variation, residue mobility, and thermodynamic stability) indicates that this missense variant is expected to disrupt ITGA2B protein function with a positive predictive value of 95%. Experimental studies have shown that this missense change affects ITGA2B function (PMID: 15099289). Algorithms developed to predict the effect of sequence changes on RNA splicing suggest that this variant may disrupt the consensus splice site. In summary, the available evidence is currently insufficient to determine the role of this variant in disease. Therefore, it has been classified as a Variant of Uncertain Significance.

GeneDx
Classification: Likely pathogenic. Last evaluated: 2016-09-27. Review status: criteria provided, single submitter. Criteria: GeneDx Variant Classification (06012015). Collection method: clinical testing. Allele origin: germline. Affected: yes. Not counted in ClinVar's aggregate classification.
Comment: The V982M variant in the ITGA2B gene has been reported previously (as V951M due to the use of alternate nomenclature) in assocation with Glanzmann thrombasthenia (Nurden et al., 2004; Jallu et al., 2010). In one individual, V982M was identified in the compound heterozygous state with a splice site variant (Nurden et al., 2004), while in another individual, no second pathogenic variant was identified (Jallu et al., 2010). The V982M variant was not observed in approximately 6500 individuals of European and African American ancestry in the NHLBI Exome Sequencing Project, indicating it is not a common benign variant in these populations. The V982M variant is a conservative amino acid substitution, which occurs at a position that is conserved in mammals. Functional studies demonstrate that V982M results in significant loss of ITGA2b protein surface expression (Nurden et al., 2004). The V982M variant is a strong candidate for a pathogenic variant, however the possibility it may be a rare benign variant cannot be excluded.

ISTH-SSC Genomics in Thrombosis and Hemostasis, KU Leuven, Center for Molecular and Vascular Biology
Classification: Pathogenic for Glanzmann thrombasthenia 1. Review status: criteria provided, single submitter. Criteria: ACMG Guidelines, 2015. Collection method: clinical testing. Allele origin: germline. Affected: yes. Observed: 1 hemizygote. Not counted in ClinVar's aggregate classification.
Comment: Submitted to GoldVariant by Jose María Bastida and José Rivera; Grupo Español de Alteraciones Plaquetarias Congénitas (GEAPC)

Literature cited by the submitters: PubMed 25539746 (cited by ClinGen Platelet Disorders Variant Curation Expert Panel, ClinGen and Labcorp Genetics (formerly Invitae), Labcorp); PubMed 28983057 (cited by ClinGen Platelet Disorders Variant Curation Expert Panel, ClinGen and Labcorp Genetics (formerly Invitae), Labcorp); PubMed 15099289 (cited by 3 submitters).